The following is an entry in ClinVar:

ClinVar aggregate classification (germline): Uncertain significance (1 of 4 stars; one submission).

Conditions:
Arrhythmogenic right ventricular cardiomyopathy (ARVD). Also called: Arrhythmogenic right ventricular dysplasia; Cardiomyopathy, ARVC; Arrhythmogenic cardiomyopathy; Arrhythmogenic Right Ventricular Cardiomyopathy (ARVC). Identifiers: Orphanet 247, MedGen C0349788, MeSH D019571, MONDO:0016587. Disease mechanism: loss of function. Inheritance: Various modes of inheritance.

Submission:

All of Us Research Program, National Institutes of Health
Classification: Uncertain significance for Arrhythmogenic right ventricular cardiomyopathy. Last evaluated: 2023-10-23. Review status: criteria provided, single submitter. Criteria: ACMG Guidelines, 2015. Collection method: clinical testing. Allele origin: germline. Inheritance: Autosomal dominant inheritance. Observed: 1 variant allele, 1 heterozygote.
Comment: This variant causes an in-frame deletion of 1 amino acid in exon 3 of the PKP2 protein. To our knowledge, functional studies have not been reported for this variant. This variant has not been reported in individuals affected with cardiovascular disorders in the literature. This variant has not been identified in the general population by the Genome Aggregation Database (gnomAD). The available evidence is insufficient to determine the role of this variant in disease conclusively. Therefore, this variant is classified as a Variant of Uncertain Significance.

This study involves interpretation of variants in research participants for the purpose of population health screening. Participant phenotype was not available at the time of variant classification. Additional details can be found in publication PMID: 35346344, PMCID: PMC8962531

NM_001005242.3(PKP2):c.424_426del (p.Arg142del)

Gene: PKP2 (plakophilin 2; minus strand). Cytogenetic location: 12p11.21.
Variant type: Deletion.
Coding change: c.424_426del on transcript NM_001005242.3 (MANE Select); coding-DNA positions 424 to 426, 3 bases deleted (AGG; older notation c.424_426delAGG).
Protein change: p.Arg142del; deletes arginine 142.
Molecular consequence: inframe deletion.
Genome position (GRCh38, 1-based): chr12:32,878,454-32,878,456, CCT deleted on the plus strand (AGG on the coding strand, the reverse complement: PKP2 is on the minus strand); deleting any 3 consecutive bases within chr12:32,878,454-32,878,457 gives the same sequence; the c. name uses the placement nearest the transcript's 3' end. VCF-style (leftmost placement, unchanged base first): chr12-32878453-GCCT-G. GRCh37 (hg19) VCF-style: chr12-33031387-GCCT-G.
Other names: c.424_426del, p.Arg142del (NM_001407155.1, NM_001407156.1, NM_001407157.1 and 2 more transcripts); c.97_99del, p.Arg33del (NM_001407158.1, NM_001407159.1, NM_001407160.1 and 1 more transcripts); short protein forms R142del, R33del.
Identifiers: ClinVar variation 3074055 (VCV003074055.1), dbSNP rs2541342488, ClinGen allele CA2825002081.